The following is an entry in ClinVar:

ClinVar aggregate classification (germline): Conflicting classifications of pathogenicity. Review status: criteria provided, conflicting classifications (1 of 4 stars). 2 submissions from 2 submitters: Uncertain significance (1); Likely benign (1). Last evaluated 2026-04-28.

Conditions:
Cardiovascular phenotype. Identifiers: MedGen CN230736.

Allele frequency attached by ClinVar (database versions not stated): gnomAD 0.00007 and 0.00004; TOPMed 0.00007; ExAC 0.00017; gnomAD exomes 0.00016 and 0.00008.
gnomAD v4.1: 130 of 1,613,060 alleles (0.0081%); highest among the groups gnomAD compares: South Asian, 0.11%; 2 homozygotes.

Submissions (2):

Ambry Genetics
Classification: Likely benign for Cardiovascular phenotype. Last evaluated: 2026-04-28. Review status: criteria provided, single submitter. Criteria: Ambry Variant Classification Scheme 2023. Collection method: clinical testing. Allele origin: germline.

Labcorp Genetics (formerly Invitae), Labcorp
Classification: Uncertain significance. Last evaluated: 2022-11-29. Review status: criteria provided, single submitter. Criteria: Invitae Variant Classification Sherloc (09022015). Collection method: clinical testing. Allele origin: germline.
Comment: This sequence change replaces arginine, which is basic and polar, with glutamine, which is neutral and polar, at codon 204 of the LMF1 protein (p.Arg204Gln). This variant is present in population databases (rs756241120, gnomAD 0.1%). This variant has not been reported in the literature in individuals affected with LMF1-related conditions. ClinVar contains an entry for this variant (Variation ID: 1477665). Algorithms developed to predict the effect of missense changes on protein structure and function output the following: SIFT: "Tolerated"; PolyPhen-2: "Benign"; Align-GVGD: "Class C0". The glutamine amino acid residue is found in multiple mammalian species, which suggests that this missense change does not adversely affect protein function. In summary, the available evidence is currently insufficient to determine the role of this variant in disease. Therefore, it has been classified as a Variant of Uncertain Significance.

NM_022773.4(LMF1):c.611G>A (p.Arg204Gln)

Gene: LMF1 (lipase maturation factor 1; minus strand). Cytogenetic location: 16p13.3.
Variant type: single nucleotide variant.
Coding change: c.611G>A on transcript NM_022773.4 (MANE Select); coding-DNA position 611, G replaced by A.
Protein change: p.Arg204Gln; replaces arginine 204 with glutamine.
Molecular consequence: missense variant. On other transcripts: 5 prime UTR variant (2), non-coding transcript variant (1).
Genome position (GRCh38, 1-based): chr16:910,983, C>T on the plus strand (G>A on the coding strand, the complement: LMF1 is on the minus strand). VCF-style: chr16-910983-C-T. GRCh37 (hg19) VCF-style: chr16-960983-C-T.
Other names: c.611G>A (NM_022773.2); c.-41G>A (NM_001352017.2, NM_001352021.2); c.212G>A, p.Arg71Gln (NM_001352018.2); c.284G>A, p.Arg95Gln (NM_001352019.2); c.611G>A, p.Arg204Gln (NM_001352020.1); short protein forms R71Q, R95Q, R204Q.
Identifiers: ClinVar variation 1477665 (VCV001477665.7), dbSNP rs756241120, ClinGen allele CA7797451.
Genomic context (GRCh38, chr16:910,983, plus strand): 5'-CCACTTACTGCTCCAAGCATGATCCTGAAGATCAGCCACCGGAAGCCCCACAGGACAATC[C>T]GGGATGTGGGGGTATGCTGGGGCAGCCTTGACAGCGTCCACAGAGGGCACAGGAAGATCC-3'
Protein context (NP_073610.2, residues 194-214): SRLPQHTPTS[Arg204Gln]IVLWGFRWLI